The following is an entry in ClinVar:

ClinVar aggregate classification (germline): Uncertain significance (1 of 4 stars; one submission).

Submission:

Women's Health and Genetics/Laboratory Corporation of America, LabCorp
Classification: Uncertain significance. Last evaluated: 2023-12-29. Review status: criteria provided, single submitter. Criteria: LabCorp Variant Classification Summary - May 2015. Collection method: clinical testing. Allele origin: germline.
Comment: Variant summary: The variant involves the duplication of exons 1-10 in the MTO1 gene. The exact breakpoint at the 5' end of this variant is unknown and therefore this duplication might extend upsream of the assayed region of the MTO1 gene. A presumed nomenclature of c.(?_-119)_(1756+1_1757-1)dup has been designated for the purposes of this classification. It has been assumed that this is a tandem duplication in direct orientation (Richardson_GIM_2018, Newman_AJHG_2015). Since the exact breakpoints of this duplication are not known, it is not possible to predict if it causes an in-frame or an out-of-frame product. The variant was absent in 21694 control chromosomes. The available data on variant occurrences in the general population are insufficient to allow any conclusion about variant significance. To our knowledge, no occurrence of c.(?_-119)_(1756+1_1757-1)dup in individuals affected with Combined Oxidative Phosphorylation Deficiency 10 and no experimental evidence demonstrating its impact on protein function have been reported. One submitter has cited clinical-significance assessments for this variant to ClinVar after 2014 and has classified the variant as uncertain significance. Based on the evidence outlined above, the variant was classified as uncertain significance.

NC_000006.11:g.(?_74171459)_(74202076_74207458)dup

Gene: MTO1 (mitochondrial tRNA translation optimization 1; plus strand). Cytogenetic location: 6q13.
Variant type: Duplication.
Identifiers: ClinVar variation 2691448 (VCV002691448.1).